The following is an entry in ClinVar:

ClinVar aggregate classification (germline): Uncertain significance. Review status: criteria provided, multiple submitters, no conflicts (2 of 4 stars). 3 submissions from 3 submitters: Uncertain significance (3). Last evaluated 2026-02-03.

Conditions:
Cardiac arrhythmia. Also called: Cardiac rhythm disease; Arrhythmia. Identifiers: MedGen C0003811, MONDO:0007263, HP:0011675.
Long QT syndrome (LQTS). Identifiers: MedGen C0023976, MeSH D008133, MONDO:0002442. Disease mechanism: loss of function. Inheritance: Various modes of inheritance.

Allele frequency attached by ClinVar (database versions not stated): gnomAD exomes below 0.00001; TOPMed below 0.00001.
gnomAD v4.1: 1 of 1,560,096 alleles (0.000064%); highest among the groups gnomAD compares: Non-Finnish European, 0.000087%; no homozygotes.

Submissions (3):

Labcorp Genetics (formerly Invitae), Labcorp
Classification: Uncertain significance for Long QT syndrome. Last evaluated: 2026-02-03. Review status: criteria provided, single submitter. Criteria: Invitae Variant Classification Sherloc (09022015). Collection method: clinical testing. Allele origin: germline.
Comment: This sequence change replaces proline, which is neutral and non-polar, with serine, which is neutral and polar, at codon 1121 of the KCNH2 protein (p.Pro1121Ser). This variant is not present in population databases (gnomAD no frequency). This variant has not been reported in the literature in individuals affected with KCNH2-related conditions. ClinVar contains an entry for this variant (Variation ID: 920215). An algorithm developed to predict the effect of missense changes on protein structure and function (PolyPhen-2) suggests that this variant is likely to be tolerated. In summary, the available evidence is currently insufficient to determine the role of this variant in disease. Therefore, it has been classified as a Variant of Uncertain Significance.

Color Diagnostics, LLC DBA Color Health
Classification: Uncertain significance for Cardiac arrhythmia. Last evaluated: 2024-03-06. Review status: criteria provided, single submitter. Criteria: ACMG Guidelines, 2015. Collection method: clinical testing. Allele origin: germline.
Comment: This missense variant replaces proline with serine at codon 1121 of the KCNH2 protein. Computational prediction suggests that this variant may not impact protein structure and function (internally defined REVEL score threshold <= 0.5, PMID: 27666373). To our knowledge, functional studies have not been reported for this variant. This variant has not been reported in individuals affected with cardiovascular disorders in the literature. This variant has not been identified in the general population by the Genome Aggregation Database (gnomAD). The available evidence is insufficient to determine the role of this variant in disease conclusively. Therefore, this variant is classified as a Variant of Uncertain Significance.

All of Us Research Program, National Institutes of Health
Classification: Uncertain significance for Long QT syndrome. Last evaluated: 2023-11-30. Review status: criteria provided, single submitter. Criteria: ACMG Guidelines, 2015. Collection method: clinical testing. Allele origin: germline. Inheritance: Autosomal dominant inheritance. Observed: 2 variant alleles, 2 heterozygotes.
Comment: This missense variant replaces proline with serine at codon 1121 of the KCNH2 protein. Computational prediction suggests that this variant may not impact protein structure and function (internally defined REVEL score threshold <= 0.5, PMID: 27666373). To our knowledge, functional studies have not been reported for this variant. This variant has not been reported in individuals affected with cardiovascular disorders in the literature. This variant has not been identified in the general population by the Genome Aggregation Database (gnomAD). The available evidence is insufficient to determine the role of this variant in disease conclusively. Therefore, this variant is classified as a Variant of Uncertain Significance.

This study involves interpretation of variants in research participants for the purpose of population health screening. Participant phenotype was not available at the time of variant classification. Additional details can be found in publication PMID: 35346344, PMCID: PMC8962531

NM_000238.4(KCNH2):c.3361C>T (p.Pro1121Ser)

Gene: KCNH2 (potassium voltage-gated channel subfamily H member 2; minus strand). Cytogenetic location: 7q36.1.
Variant type: single nucleotide variant.
Coding change: c.3361C>T on transcript NM_000238.4 (MANE Select); coding-DNA position 3361, C replaced by T.
Protein change: p.Pro1121Ser; replaces proline 1121 with serine.
Molecular consequence: missense variant.
Genome position (GRCh38, 1-based): chr7:150,945,484, G>A on the plus strand (C>T on the coding strand, the complement: KCNH2 is on the minus strand). VCF-style: chr7-150945484-G-A. GRCh37 (hg19) VCF-style: chr7-150642572-G-A.
Other names: c.2341C>T, p.Pro781Ser (NM_172057.3); short protein forms P1121S, P781S.
Identifiers: ClinVar variation 920215 (VCV000920215.17), dbSNP rs1800857722, ClinGen allele CA369851566.